The following is an entry in ClinVar:

NM_032314.4(COQ5):c.333T>G (p.Leu111=)

Gene: COQ5 (coenzyme Q5, methyltransferase; minus strand). Cytogenetic location: 12q24.31.
Variant type: single nucleotide variant.
Coding change: c.333T>G on transcript NM_032314.4 (MANE Select); coding-DNA position 333, T replaced by G.
Protein change: p.Leu111=; no amino-acid change (leucine 111 retained).
Molecular consequence: synonymous variant.
Genome position (GRCh38, 1-based): chr12:120,522,233, A>C on the plus strand (T>G on the coding strand, the complement: COQ5 is on the minus strand). VCF-style: chr12-120522233-A-C. GRCh37 (hg19) VCF-style: chr12-120960036-A-C.
Identifiers: ClinVar variation 3053215 (VCV003053215.2), dbSNP rs1177906759, ClinGen allele CA482093771.

ClinVar aggregate classification (germline): Likely benign (0 of 4 stars; one submission).

Conditions:
COQ5-related disorder. Also called: COQ5-related condition.

Allele frequency attached by ClinVar (database versions not stated): gnomAD exomes 0.00001.
gnomAD v4.1: 5 of 1,614,124 alleles (0.00031%); highest among the groups gnomAD compares: Admixed American, 0.0017%; no homozygotes.

Submission:

PreventionGenetics, part of Exact Sciences
Classification: Likely benign for COQ5-related condition. Last evaluated: 2019-08-20. Review status: no assertion criteria provided. Collection method: clinical testing. Allele origin: germline.
Comment: This variant is classified as likely benign based on ACMG/AMP sequence variant interpretation guidelines (Richards et al. 2015 PMID: 25741868, with internal and published modifications).